The following is an entry in ClinVar:

ClinVar aggregate classification (germline): Benign/Likely benign. Review status: criteria provided, multiple submitters, no conflicts (2 of 4 stars). 3 submissions from 3 submitters: Benign (1); Likely benign (2). Last evaluated 2026-02-01.

Conditions:
Congenital disorder of glycosylation (CDG). Also called: Carbohydrate-deficient glycoprotein syndrome; Congenital disorders of glycosylation. Identifiers: Orphanet 137, MedGen C0282577, MONDO:0015286.

Allele frequency attached by ClinVar (database versions not stated): TOPMed 0.01036; gnomAD 0.01054 and 0.01198; ESP Exome Variant Server 0.01361; 1000 Genomes Project 0.01438; 1000 Genomes Project 30x 0.01499; gnomAD exomes 0.01732; ExAC 0.01845.

Submissions (3):

Labcorp Genetics (formerly Invitae), Labcorp
Classification: Likely benign for Congenital disorder of glycosylation. Last evaluated: 2026-02-01. Review status: criteria provided, single submitter. Criteria: Invitae Variant Classification Sherloc (09022015). Collection method: clinical testing. Allele origin: germline.

GeneDx
Classification: Benign. Last evaluated: 2020-02-14. Review status: criteria provided, single submitter. Criteria: GeneDx Variant Classification Process June 2021. Collection method: clinical testing. Allele origin: germline. Affected: yes.
Comment: This variant is associated with the following publications: (PMID: 28820871, 19835842, 27884173)

Breakthrough Genomics
Classification: Likely benign. Review status: criteria provided, single submitter. Criteria: ACMG Guidelines, 2015. Collection method: not provided. Allele origin: germline. Inheritance: Unknown mechanism. Affected: yes.

NM_002951.5(RPN2):c.1121G>A (p.Gly374Asp)

Gene: RPN2 (ribophorin II; plus strand). Cytogenetic location: 20q11.23.
Variant type: single nucleotide variant.
Coding change: c.1121G>A on transcript NM_002951.5 (MANE Select); coding-DNA position 1121, G replaced by A.
Protein change: p.Gly374Asp; replaces glycine 374 with aspartic acid.
Molecular consequence: missense variant.
Genome position (GRCh38, 1-based): chr20:37,223,906, G>A. VCF-style: chr20-37223906-G-A. GRCh37 (hg19) VCF-style: chr20-35852309-G-A.
Other names: c.1025G>A, p.Gly342Asp (NM_001135771.3); c.1121G>A, p.Gly374Asp (NM_001324299.2, NM_001324302.2, NM_001324303.2 and 1 more transcripts); c.1169G>A, p.Gly390Asp (NM_001324301.2, NM_001324305.2); c.650G>A, p.Gly217Asp (NM_001324306.2); short protein forms G217D, G342D, G374D, G390D.
Identifiers: ClinVar variation 1101005 (VCV001101005.12), dbSNP rs117475222, ClinGen allele CA9847103.
Genomic context (GRCh38, chr20:37,223,906, plus strand): 5'-ACCTGGCAACTGTCTTCTCTATTTTCCTCTAGCTCAGAGTCAAGATCTCCACTGAAGTTG[G>A]CATCACAAATGTTGATCTTTCCACCGTGGATAAGGATCAGAGCATTGCACCCAAAACTAC-3'
Protein context (NP_002942.2, residues 364-384): ELRVKISTEV[Gly374Asp]ITNVDLSTVD